The following is an entry in ClinVar:

ClinVar aggregate classification (germline): Benign/Likely benign. Review status: criteria provided, multiple submitters, no conflicts (2 of 4 stars). 15 submissions from 15 submitters: Benign (2); Likely benign (10). 3 of the submissions do not count toward it. Last evaluated 2026-01-27.

Conditions:
Cardiovascular phenotype. Identifiers: MedGen CN230736.
Dilated cardiomyopathy 1G (CMD1G). Identifiers: Orphanet 154, MedGen C1858763, MONDO:0011400, OMIM 604145.
Autosomal recessive limb-girdle muscular dystrophy type 2J (LGMDR10). Also called: Limb-girdle muscular dystrophy, type 2J; MUSCULAR DYSTROPHY, LIMB-GIRDLE, AUTOSOMAL RECESSIVE 10. Identifiers: Orphanet 140922, MedGen C1837342, MONDO:0012127, OMIM 608807.
Cardiomyopathy (CMYO). Also called: Cardiomyopathies. Identifiers: Orphanet 167848, MedGen C0878544, MONDO:0004994, HP:0001638. Inheritance: Various modes of inheritance.

Allele frequency attached by ClinVar (database versions not stated): ExAC 0.00036; gnomAD 0.00041 and 0.00044; gnomAD exomes 0.00042 and 0.00077; TOPMed 0.00054; 1000 Genomes Project 0.00080; ESP Exome Variant Server 0.00082; 1000 Genomes Project 30x 0.00094.
gnomAD v4.1: 1,169 of 1,613,684 alleles (0.072%); highest among the groups gnomAD compares: Non-Finnish European, 0.091%; 1 homozygote.

Submissions (15):

Labcorp Genetics (formerly Invitae), Labcorp
Classification: Likely benign for Dilated cardiomyopathy 1G; Autosomal recessive limb-girdle muscular dystrophy type 2J. Last evaluated: 2026-01-27. Review status: criteria provided, single submitter. Criteria: Invitae Variant Classification Sherloc (09022015). Collection method: clinical testing. Allele origin: germline.

CeGaT Center for Human Genetics Tuebingen
Classification: Likely benign. Last evaluated: 2025-10-01. Review status: criteria provided, single submitter. Criteria: CeGaT Center For Human Genetics Tuebingen Variant Classification Criteria Version 2. Collection method: clinical testing. Allele origin: germline. Affected: yes. Observed: 5 variant alleles.
Comment: TTN: BP4, BP7

Women's Health and Genetics/Laboratory Corporation of America, LabCorp
Classification: Benign. Last evaluated: 2025-09-29. Review status: criteria provided, single submitter. Criteria: LabCorp Variant Classification Summary - May 2015. Collection method: clinical testing. Allele origin: germline.

Molecular Diagnostic Laboratory for Inherited Cardiovascular Disease, Montreal Heart Institute
Classification: Likely benign. Last evaluated: 2025-04-09. Review status: criteria provided, single submitter. Criteria: ACMG Guidelines, 2015. Collection method: clinical testing. Allele origin: germline. Affected: no.

Blueprint Genetics
Classification: Likely benign. Last evaluated: 2024-10-16. Review status: criteria provided, single submitter. Criteria: ACMG Guidelines, 2015. Collection method: clinical testing. Allele origin: germline.

Athena Diagnostics
Classification: Benign. Last evaluated: 2024-05-31. Review status: criteria provided, single submitter. Criteria: Athena Diagnostics Criteria. Collection method: clinical testing. Allele origin: unknown.

CHEO Genetics Diagnostic Laboratory, Children's Hospital of Eastern Ontario
Classification: Likely benign for Cardiomyopathy. Last evaluated: 2023-05-16. Review status: criteria provided, single submitter. Criteria: ACMG Guidelines, 2015. Collection method: clinical testing. Allele origin: germline.

ARUP Laboratories, Molecular Genetics and Genomics, ARUP Laboratories
Classification: Likely benign. Last evaluated: 2021-01-04. Review status: criteria provided, single submitter. Criteria: ARUP Molecular Germline Variant Investigation Process 2021. Collection method: clinical testing. Allele origin: germline.

GeneDx
Classification: Likely benign. Last evaluated: 2020-11-06. Review status: criteria provided, single submitter. Criteria: GeneDx Variant Classification Process June 2021. Collection method: clinical testing. Allele origin: germline. Affected: yes.
Comment: This variant is associated with the following publications: (PMID: 22820391)

Laboratory for Molecular Medicine, Mass General Brigham Personalized Medicine
Classification: Likely benign. Last evaluated: 2017-09-12. Review status: criteria provided, single submitter. Criteria: LMM Criteria. Collection method: clinical testing. Allele origin: germline. Observed: 4 variant alleles.
Comment: p.Thr24053Thr in exon 275 of TTN: This variant is not expected to have clinical significance because it does not alter an amino acid residue and is not located within the splice consensus sequence. It has been identified in 75/126330 of Eur opean chromosomes by the Genome Aggregation Database Project (gnomAD; dbSNP rs186402008).

Ambry Genetics
Classification: Likely benign for Cardiovascular phenotype. Last evaluated: 2016-11-08. Review status: criteria provided, single submitter. Criteria: Ambry Variant Classification Scheme 2023. Collection method: clinical testing. Allele origin: germline.

Eurofins Ntd Llc (ga)
Classification: Likely benign. Last evaluated: 2015-10-02. Review status: criteria provided, single submitter. Criteria: EGL Classification Definitions 2015. Collection method: clinical testing. Allele origin: germline. Observed: 1 variant allele, 1 heterozygote.

Clinical Genetics DNA and cytogenetics Diagnostics Lab, Erasmus MC, Erasmus Medical Center
Classification: Likely benign. Review status: no assertion criteria provided. Collection method: clinical testing. Allele origin: germline. Affected: yes. Study: VKGL Data-share Consensus. Not counted in ClinVar's aggregate classification.

Clinical Genetics, Academic Medical Center
Classification: Benign. Review status: no assertion criteria provided. Collection method: clinical testing. Allele origin: germline. Affected: yes. Study: VKGL Data-share Consensus. Not counted in ClinVar's aggregate classification.

Diagnostic Laboratory, Department of Genetics, University Medical Center Groningen
Classification: Likely benign. Review status: no assertion criteria provided. Collection method: clinical testing. Allele origin: germline. Affected: yes. Study: VKGL Data-share Consensus. Not counted in ClinVar's aggregate classification.

Literature cited by the submitters: PubMed 22820391 (cited by Athena Diagnostics).

NM_001267550.2(TTN):c.79863G>A (p.Thr26621=)

Genes: TTN (titin; minus strand), TTN-AS1 (TTN antisense RNA 1; plus strand). Cytogenetic location: 2q31.2.
Variant type: single nucleotide variant.
Coding change: c.79863G>A on transcript NM_001267550.2 (MANE Select); coding-DNA position 79863, G replaced by A.
Protein change: p.Thr26621=; no amino-acid change (threonine 26621 retained).
Molecular consequence: synonymous variant.
Genome position (GRCh38, 1-based): chr2:178,566,269, C>T on the plus strand (G>A on the coding strand, the complement: TTN is on the minus strand). VCF-style: chr2-178566269-C-T. GRCh37 (hg19) VCF-style: chr2-179430996-C-T.
Other names: c.74940G>A, p.Thr24980= (NM_001256850.1); c.52668G>A, p.Thr17556= (NM_003319.4); c.72159G>A, p.Thr24053= (NM_133378.4); c.53043G>A, p.Thr17681= (NM_133432.3); c.53244G>A, p.Thr17748= (NM_133437.4).
Identifiers: ClinVar variation 178186 (VCV000178186.74), dbSNP rs186402008, ClinGen allele CA181706.